The following is an entry in ClinVar:

NM_181507.2(HPS5):c.2272A>G (p.Ser758Gly)

Gene: HPS5 (HPS5 biogenesis of lysosomal organelles complex 2 subunit 2; minus strand). Cytogenetic location: 11p15.1.
Variant type: single nucleotide variant.
Coding change: c.2272A>G on transcript NM_181507.2 (MANE Select); coding-DNA position 2272, A replaced by G.
Protein change: p.Ser758Gly; replaces serine 758 with glycine.
Molecular consequence: missense variant.
Genome position (GRCh38, 1-based): chr11:18,291,610, T>C on the plus strand (A>G on the coding strand, the complement: HPS5 is on the minus strand). VCF-style: chr11-18291610-T-C. GRCh37 (hg19) VCF-style: chr11-18313157-T-C.
Other names: c.1930A>G, p.Ser644Gly (NM_007216.4, NM_181508.2); short protein forms S644G, S758G.
Identifiers: ClinVar variation 1024311 (VCV001024311.6), dbSNP rs1439135480, ClinGen allele CA379489366.

ClinVar aggregate classification (germline): Uncertain significance (1 of 4 stars; one submission).

Allele frequency attached by ClinVar (database versions not stated): TOPMed 0.00001; gnomAD 0.00001.

Submission:

Labcorp Genetics (formerly Invitae), Labcorp
Classification: Uncertain significance. Last evaluated: 2021-08-31. Review status: criteria provided, single submitter. Criteria: Invitae Variant Classification Sherloc (09022015). Collection method: clinical testing. Allele origin: germline.
Comment: This sequence change replaces serine with glycine at codon 758 of the HPS5 protein (p.Ser758Gly). The serine residue is weakly conserved and there is a small physicochemical difference between serine and glycine. This variant is not present in population databases (ExAC no frequency). This variant has not been reported in the literature in individuals affected with HPS5-related conditions. Algorithms developed to predict the effect of missense changes on protein structure and function output the following: SIFT: "Tolerated"; PolyPhen-2: "Benign"; Align-GVGD: "Class C0". The glycine amino acid residue is found in multiple mammalian species, which suggests that this missense change does not adversely affect protein function. In summary, the available evidence is currently insufficient to determine the role of this variant in disease. Therefore, it has been classified as a Variant of Uncertain Significance.